The following is an entry in ClinVar:

NM_004612.4(TGFBR1):c.364G>C (p.Gly122Arg)

Gene: TGFBR1 (transforming growth factor beta receptor 1; plus strand). Cytogenetic location: 9q22.33.
Variant type: single nucleotide variant.
Coding change: c.364G>C on transcript NM_004612.4 (MANE Select); coding-DNA position 364, G replaced by C.
Protein change: p.Gly122Arg; replaces glycine 122 with arginine.
Molecular consequence: missense variant. On other transcripts: non-coding transcript variant (4), intron variant (3).
Genome position (GRCh38, 1-based): chr9:99,132,529, G>C. VCF-style: chr9-99132529-G-C. GRCh37 (hg19) VCF-style: chr9-101894811-G-C.
Other names: c.376G>C, p.Gly126Arg (NM_001306210.2, NM_001407416.1); c.364G>C, p.Gly122Arg (NM_001407417.1, NM_001407435.1); c.169G>C, p.Gly57Arg (NM_001407418.1, NM_001407419.1, NM_001407420.1 and 1 more transcripts); c.157G>C, p.Gly53Arg (NM_001407423.1, NM_001407424.1, NM_001407425.1 and 8 more transcripts); c.118G>C, p.Gly40Arg (NM_001407436.1); c.343+3429G>C (NM_001130916.3); c.98-5330G>C (NM_001407438.1); c.98-10007G>C (NM_001407437.1); short protein forms G57R, G122R, G126R, G40R, G53R.
Identifiers: ClinVar variation 4635586 (VCV004635586.1).
Genomic context (GRCh38, chr9:99,132,529, plus strand): 5'-GTCGTTGTTGATGTTTATTTCACTCGAGGCCCTTTTTCAGTAAAGTCATCACCTGGCCTT[G>C]GTCCTGTGGAACTGGCAGCTGTCATTGCTGGACCAGTGTGCTTCGTCTGCATCTCACTCA-3'
Protein context (NP_004603.1, residues 112-132): PTTVKSSPGL[Gly122Arg]PVELAAVIAG

ClinVar aggregate classification (germline): Uncertain significance (1 of 4 stars; one submission).

Conditions:
Familial thoracic aortic aneurysm and aortic dissection (TAAD). Also called: Thoracic aortic aneurysms and dissections. Identifiers: Orphanet 91387, MedGen C4707243, MONDO:0019625.

Submission:

Ambry Genetics
Classification: Uncertain significance for Familial thoracic aortic aneurysm and aortic dissection. Last evaluated: 2025-11-25. Review status: criteria provided, single submitter. Criteria: Ambry Variant Classification Scheme 2023. Collection method: clinical testing. Allele origin: germline.
Comment: The p.G122R variant (also known as c.364G>C), located in coding exon 3 of the TGFBR1 gene, results from a G to C substitution at nucleotide position 364. The glycine at codon 122 is replaced by arginine, an amino acid with dissimilar properties. This variant was reported in individual(s) with features consistent with craniosynostosis (Topa A et al. Front Genet, 2023 Jan;14:1322462). This amino acid position is highly conserved in available vertebrate species. In addition, this alteration is predicted to be deleterious by in silico analysis. Based on the available evidence, the clinical significance of this variant remains unclear.

Literature cited by the submitters: PubMed 38318288.